The following is an entry in ClinVar:

NM_016507.4(CDK12):c.1672C>A (p.Pro558Thr)

Gene: CDK12 (cyclin dependent kinase 12; plus strand). Cytogenetic location: 17q12.
Variant type: single nucleotide variant.
Coding change: c.1672C>A on transcript NM_016507.4 (MANE Select); coding-DNA position 1672, C replaced by A.
Protein change: p.Pro558Thr; replaces proline 558 with threonine.
Molecular consequence: missense variant.
Genome position (GRCh38, 1-based): chr17:39,471,504, C>A. VCF-style: chr17-39471504-C-A. GRCh37 (hg19) VCF-style: chr17-37627757-C-A.
Other names: c.1672C>A, p.Pro558Thr (NM_015083.4); short protein forms P558T.
Identifiers: ClinVar variation 3999309 (VCV003999309.1).

ClinVar aggregate classification (germline): Uncertain significance (1 of 4 stars; one submission).

Submission:

Ambry Genetics
Classification: Uncertain significance. Last evaluated: 2025-04-03. Review status: criteria provided, single submitter. Criteria: Ambry Variant Classification Scheme 2023. Collection method: clinical testing. Allele origin: germline.
Comment: The p.P558T variant (also known as c.1672C>A), located in coding exon 2 of the CDK12 gene, results from a C to A substitution at nucleotide position 1672. The proline at codon 558 is replaced by threonine, an amino acid with highly similar properties. This amino acid position is conserved. In addition, the in silico prediction for this alteration is inconclusive. Based on the available evidence, the clinical significance of this variant remains unclear.